The following is an entry in ClinVar:

NM_020297.4(ABCC9):c.4512+812G>A

Genes: ABCC9 (ATP binding cassette subfamily C member 9; minus strand), KCNJ8-AS1 (KCNJ8 antisense RNA 1; plus strand). Cytogenetic location: 12p12.1.
Variant type: single nucleotide variant.
Coding change: c.4512+812G>A on transcript NM_020297.4 (MANE Select); 812 bases into the intron after coding-DNA position 4512, G replaced by A.
Molecular consequence: intron variant. On other transcripts: missense variant (1).
Genome position (GRCh38, 1-based): chr12:21,805,186, C>T on the plus strand (G>A on the coding strand, the complement: ABCC9 is on the minus strand). VCF-style: chr12-21805186-C-T. GRCh37 (hg19) VCF-style: chr12-21958120-C-T.
Other names: c.4638G>A, p.Met1546Ile (NM_005691.4); c.3645+812G>A (NM_001377274.1); c.4512+812G>A (NM_001377273.1); short protein forms M1546I.
Identifiers: ClinVar variation 3718564 (VCV003718564.2).
Genomic context (GRCh38, chr12:21,805,186, plus strand): 5'-AGATAACTACCGGAGAATGACAGACTTGGTGCAATAGATCATGATGGTCTACTTGTTGGT[C>T]ATCACCAAAGTGGAAAAGAGGCCATTCTTGTGGGCGAGCAAATTTGGGACAGTATCACAC-3'

ClinVar aggregate classification (germline): Uncertain significance (1 of 4 stars; one submission).

Conditions:
Dilated cardiomyopathy 1O (CMD1O). Also called: CARDIOMYOPATHY, DILATED, WITH VENTRICULAR TACHYCARDIA. Identifiers: Orphanet 154, MedGen C1837839, MONDO:0012062, OMIM 608569.

gnomAD v4.1: 3 of 1,613,934 alleles (0.00019%); highest among the groups gnomAD compares: Non-Finnish European, 0.00025%; no homozygotes.

Submission:

Labcorp Genetics (formerly Invitae), Labcorp
Classification: Uncertain significance for Dilated cardiomyopathy 1O. Last evaluated: 2024-10-05. Review status: criteria provided, single submitter. Criteria: Invitae Variant Classification Sherloc (09022015). Collection method: clinical testing. Allele origin: germline.
Comment: This sequence change replaces methionine, which is neutral and non-polar, with isoleucine, which is neutral and non-polar, at codon 1546 of the ABCC9 protein (p.Met1546Ile). This variant is not present in population databases (gnomAD no frequency). This variant has not been reported in the literature in individuals affected with ABCC9-related conditions. Invitae Evidence Modeling of protein sequence and biophysical properties (such as structural, functional, and spatial information, amino acid conservation, physicochemical variation, residue mobility, and thermodynamic stability) indicates that this missense variant is not expected to disrupt ABCC9 protein function with a negative predictive value of 95%. In summary, the available evidence is currently insufficient to determine the role of this variant in disease. Therefore, it has been classified as a Variant of Uncertain Significance.